The following is an entry in ClinVar:

NM_024642.5(GALNT12):c.224T>C (p.Leu75Pro)

Gene: GALNT12 (polypeptide N-acetylgalactosaminyltransferase 12; plus strand). Cytogenetic location: 9q22.33.
Variant type: single nucleotide variant.
Coding change: c.224T>C on transcript NM_024642.5 (MANE Select); coding-DNA position 224, T replaced by C.
Protein change: p.Leu75Pro; replaces leucine 75 with proline.
Molecular consequence: missense variant.
Genome position (GRCh38, 1-based): chr9:98,807,922, T>C. VCF-style: chr9-98807922-T-C. GRCh37 (hg19) VCF-style: chr9-101570204-T-C.
Other names: short protein forms L75P.
Identifiers: ClinVar variation 3280591 (VCV003280591.1).

ClinVar aggregate classification (germline): Uncertain significance (1 of 4 stars; one submission).

Submission:

Ambry Genetics
Classification: Uncertain significance. Last evaluated: 2024-06-09. Review status: criteria provided, single submitter. Criteria: Ambry Variant Classification Scheme 2023. Collection method: clinical testing. Allele origin: germline.
Comment: The p.L75P variant (also known as c.224T>C), located in coding exon 1 of the GALNT12 gene, results from a T to C substitution at nucleotide position 224. The leucine at codon 75 is replaced by proline, an amino acid with similar properties. This amino acid position is conserved. In addition, this alteration is predicted to be tolerated by in silico analysis. Based on the available evidence, the clinical significance of this variant remains unclear.